The following is an entry in ClinVar:

ClinVar aggregate classification (germline): Uncertain significance (1 of 4 stars; one submission).

Conditions:
Hereditary cancer-predisposing syndrome. Also called: Neoplastic Syndromes, Hereditary; Tumor predisposition; Hereditary Cancer Syndrome; Hereditary neoplastic syndrome. Identifiers: Orphanet 140162, MedGen C0027672, MeSH D009386, MONDO:0015356.

Submission:

Ambry Genetics
Classification: Uncertain significance for Hereditary cancer-predisposing syndrome. Last evaluated: 2022-07-13. Review status: criteria provided, single submitter. Criteria: Ambry Variant Classification Scheme 2023. Collection method: clinical testing. Allele origin: germline.
Comment: The p.N1193K variant (also known as c.3579C>G), located in coding exon 20 of the DICER1 gene, results from a C to G substitution at nucleotide position 3579. The asparagine at codon 1193 is replaced by lysine, an amino acid with similar properties. This amino acid position is conserved. In addition, this alteration is predicted to be tolerated by in silico analysis. Since supporting evidence is limited at this time, the clinical significance of this alteration remains unclear.

NM_177438.3(DICER1):c.3579C>G (p.Asn1193Lys)

Gene: DICER1 (dicer 1, ribonuclease III; minus strand). Cytogenetic location: 14q32.13.
Variant type: single nucleotide variant.
Coding change: c.3579C>G on transcript NM_177438.3 (MANE Select); coding-DNA position 3579, C replaced by G.
Protein change: p.Asn1193Lys; replaces asparagine 1193 with lysine.
Molecular consequence: missense variant. On other transcripts: non-coding transcript variant (6).
Genome position (GRCh38, 1-based): chr14:95,103,817, G>C on the plus strand (C>G on the coding strand, the complement: DICER1 is on the minus strand). VCF-style: chr14-95103817-G-C. GRCh37 (hg19) VCF-style: chr14-95570154-G-C.
Other names: c.3579C>G, p.Asn1193Lys (NM_001195573.1, NM_001271282.3, NM_001291628.2 and 13 more transcripts); c.3297C>G, p.Asn1099Lys (NM_001395686.1); c.3174C>G, p.Asn1058Lys (NM_001395687.1, NM_001395688.1, NM_001395689.1 and 2 more transcripts); c.3012C>G, p.Asn1004Lys (NM_001395691.1); c.1896C>G, p.Asn632Lys (NM_001395697.1); short protein forms N1058K, N1193K, N1004K, N1099K, N632K.
Identifiers: ClinVar variation 1732849 (VCV001732849.2), dbSNP rs1891139102, ClinGen allele CA390874842.
Genomic context (GRCh38, chr14:95,103,817, plus strand): 5'-TGGTTGCACGGGTATTTCCTGCTTGTAGTAATTTAGCTGATTTCCTTGGCAAAAGTCTCT[G>C]TTAGCTAAATCATAACTGCCATTGGCGAGATTTTGATTGTAAGAAAGACCATTAATTGCT-3'
Protein context (NP_803187.1, residues 1183-1203): NLANGSYDLA[Asn1193Lys]RDFCQGNQLN